The following is an entry in ClinVar:

NM_017617.5(NOTCH1):c.4374G>A (p.Ala1458=)

Gene: NOTCH1 (notch receptor 1; minus strand). Cytogenetic location: 9q34.3.
Variant type: single nucleotide variant.
Coding change: c.4374G>A on transcript NM_017617.5 (MANE Select); coding-DNA position 4374, G replaced by A.
Protein change: p.Ala1458=; no amino-acid change (alanine 1458 retained).
Molecular consequence: synonymous variant.
Genome position (GRCh38, 1-based): chr9:136,505,522, C>T on the plus strand (G>A on the coding strand, the complement: NOTCH1 is on the minus strand). VCF-style: chr9-136505522-C-T. GRCh37 (hg19) VCF-style: chr9-139399974-C-T.
Other names: c.4374G>A, p.Ala1458= (LRG_1122t1); c.4374G>A (NM_017617.4).
Identifiers: ClinVar variation 544210 (VCV000544210.15), dbSNP rs777768691, ClinGen allele CA5340627.

ClinVar aggregate classification (germline): Likely benign. Review status: criteria provided, multiple submitters, no conflicts (2 of 4 stars). 3 submissions from 3 submitters: Likely benign (2). 1 of the submissions does not count toward it. Last evaluated 2026-07-28.

Conditions:
Adams-Oliver syndrome 5 (AOS5). Identifiers: Orphanet 974, MedGen C4014970, MONDO:0014459, OMIM 616028.
NOTCH1-related disorder. Also called: NOTCH1-related disorders; NOTCH1-related condition.
Familial thoracic aortic aneurysm and aortic dissection (TAAD). Also called: Thoracic aortic aneurysms and dissections. Identifiers: Orphanet 91387, MedGen C4707243, MONDO:0019625.

Allele frequency attached by ClinVar (database versions not stated): ExAC 0.00003; gnomAD 0.00003 and 0.00001; TOPMed 0.00003.
gnomAD v4.1: 35 of 1,612,376 alleles (0.0022%); highest among the groups gnomAD compares: South Asian, 0.0055%; no homozygotes.

Submissions (3):

Ambry Genetics
Classification: Likely benign for Familial thoracic aortic aneurysm and aortic dissection. Last evaluated: 2026-07-28. Review status: criteria provided, single submitter. Criteria: Ambry Variant Classification Scheme 2023. Collection method: clinical testing. Allele origin: germline.

Labcorp Genetics (formerly Invitae), Labcorp
Classification: Likely benign for Adams-Oliver syndrome 5. Last evaluated: 2025-04-14. Review status: criteria provided, single submitter. Criteria: Invitae Variant Classification Sherloc (09022015). Collection method: clinical testing. Allele origin: germline.

PreventionGenetics, part of Exact Sciences
Classification: Likely benign for NOTCH1-related condition. Last evaluated: 2019-06-05. Review status: no assertion criteria provided. Collection method: clinical testing. Allele origin: germline. Not counted in ClinVar's aggregate classification.
Comment: This variant is classified as likely benign based on ACMG/AMP sequence variant interpretation guidelines (Richards et al. 2015 PMID: 25741868, with internal and published modifications).